The following is an entry in ClinVar:

ClinVar aggregate classification (germline): Benign/Likely benign. Review status: criteria provided, multiple submitters, no conflicts (2 of 4 stars). 4 submissions from 4 submitters: Benign (2); Likely benign (2). Last evaluated 2024-10-18.

Conditions:
Congenital diarrhea 5 with tufting enteropathy. Also called: INTESTINAL EPITHELIAL CELL DYSPLASIA; Congenital tufting enteropathy. Identifiers: Orphanet 92050, MedGen C2750737, MONDO:0013184, OMIM 613217.
Lynch syndrome 8 (LYNCH8). Also called: Colorectal cancer, hereditary nonpolyposis, type 8. Identifiers: Orphanet 144, MedGen C2750471, MONDO:0013196, OMIM 613244.

Allele frequency attached by ClinVar (database versions not stated): 1000 Genomes Project 0.00300; gnomAD 0.00306; 1000 Genomes Project 30x 0.00328; TOPMed 0.00384; ESP Exome Variant Server 0.00415.
gnomAD v4.1: 1,065 of 1,542,846 alleles (0.069%); highest among the groups gnomAD compares: African/African-American, 1.3%; 5 homozygotes.

Submissions (4):

Blueprint Genetics
Classification: Likely benign. Last evaluated: 2024-10-18. Review status: criteria provided, single submitter. Criteria: ACMG Guidelines, 2015. Collection method: clinical testing. Allele origin: germline.

Fulgent Genetics
Classification: Likely benign for Congenital diarrhea 5 with tufting enteropathy; Lynch syndrome 8. Last evaluated: 2022-05-25. Review status: criteria provided, single submitter. Criteria: ACMG Guidelines, 2015. Collection method: clinical testing. Allele origin: unknown.

PreventionGenetics, part of Exact Sciences
Classification: Benign. Last evaluated: 2016-12-06. Review status: criteria provided, single submitter. Criteria: ACMG Guidelines, 2015. Collection method: clinical testing. Allele origin: germline.

GeneDx
Classification: Benign. Last evaluated: 2013-11-04. Review status: criteria provided, single submitter. Criteria: GeneDx Variant Classification (06012015). Collection method: clinical testing. Allele origin: germline. Affected: yes.
Comment: This variant is considered likely benign or benign based on one or more of the following criteria: it is a conservative change, it occurs at a poorly conserved position in the protein, it is predicted to be benign by multiple in silico algorithms, and/or has population frequency not consistent with disease.

NM_002354.3(EPCAM):c.491+19A>T

Gene: EPCAM (epithelial cell adhesion molecule; plus strand). Cytogenetic location: 2p21.
Variant type: single nucleotide variant.
Coding change: c.491+19A>T on transcript NM_002354.3 (MANE Select); 19 bases into the intron after coding-DNA position 491, A replaced by T.
Molecular consequence: intron variant.
Genome position (GRCh38, 1-based): chr2:47,375,318, A>T. VCF-style: chr2-47375318-A-T. GRCh37 (hg19) VCF-style: chr2-47602457-A-T.
Identifiers: ClinVar variation 137215 (VCV000137215.4), dbSNP rs114475602, ClinGen allele CA290749.